The following is an entry in ClinVar:

ClinVar aggregate classification (germline): Uncertain significance (1 of 4 stars; one submission).

Submission:

GeneDx
Classification: Uncertain significance. Last evaluated: 2026-03-24. Review status: criteria provided, single submitter. Criteria: GeneDx Variant Classification Process June 2021. Collection method: clinical testing. Allele origin: germline.
Comment: Not observed at significant frequency in large population cohorts (gnomAD); In silico analysis suggests that this missense variant does not alter protein structure/function; Has not been previously published as pathogenic or benign to our knowledge

NM_016604.4(KDM3B):c.2463G>T (p.Leu821Phe)

Gene: KDM3B (lysine demethylase 3B; plus strand). Cytogenetic location: 5q31.2.
Variant type: single nucleotide variant.
Coding change: c.2463G>T on transcript NM_016604.4 (MANE Select); coding-DNA position 2463, G replaced by T.
Protein change: p.Leu821Phe; replaces leucine 821 with phenylalanine.
Molecular consequence: missense variant.
Genome position (GRCh38, 1-based): chr5:138,392,095, G>T. VCF-style: chr5-138392095-G-T. GRCh37 (hg19) VCF-style: chr5-137727784-G-T.
Other names: short protein forms L821F.
Identifiers: ClinVar variation 5017434 (VCV005017434.1).